The following is an entry in ClinVar:

NM_005562.3(LAMC2):c.3385C>T (p.Arg1129Ter)

Gene: LAMC2 (laminin subunit gamma 2; plus strand). Cytogenetic location: 1q25.3.
Variant type: single nucleotide variant.
Coding change: c.3385C>T on transcript NM_005562.3 (MANE Select); coding-DNA position 3385, C replaced by T.
Protein change: p.Arg1129Ter; replaces arginine 1129 with a stop codon.
Molecular consequence: nonsense.
Genome position (GRCh38, 1-based): chr1:183,243,203, C>T. VCF-style: chr1-183243203-C-T. GRCh37 (hg19) VCF-style: chr1-183212338-C-T.
Other names: short protein forms R1129*.
Identifiers: ClinVar variation 370953 (VCV000370953.17), dbSNP rs201307156, ClinGen allele CA1283246.

ClinVar aggregate classification (germline): Pathogenic. Review status: criteria provided, multiple submitters, no conflicts (2 of 4 stars). 6 submissions from 6 submitters: Pathogenic (4). 2 of the submissions do not count toward it. Last evaluated 2026-03-16.

Conditions:
Epidermolysis bullosa, junctional 3A, intermediate. Also called: EPIDERMOLYSIS BULLOSA, JUNCTIONAL 3A, GENERALIZED INTERMEDIATE; EPIDERMOLYSIS BULLOSA, JUNCTIONAL 3A, NON-HERLITZ TYPE. Identifiers: MedGen C5676938, MONDO:0030748, OMIM 619785.
Epidermolysis bullosa, junctional 3B, severe. Also called: EPIDERMOLYSIS BULLOSA, JUNCTIONAL 3B, GENERALIZED SEVERE; EPIDERMOLYSIS BULLOSA, JUNCTIONAL 3B, HERLITZ TYPE. Identifiers: MedGen C5676939, MONDO:0030749, OMIM 619786.
Junctional epidermolysis bullosa. Identifiers: Orphanet 305, MedGen C0079301, MONDO:0017612.
Junctional epidermolysis bullosa gravis of Herlitz. Also called: JEB-HERLITZ TYPE; EPIDERMOLYSIS BULLOSA JUNCTIONALIS, HERLITZ TYPE; EPIDERMOLYSIS BULLOSA, JUNCTIONAL, HERLITZ-PEARSON TYPE; Epidermolysis Bullosa Letalis; EPIDERMOLYSIS BULLOSA, JUNCTIONAL 1B, SEVERE; Herlitz-type junctional epidermolysis bullosa. Identifiers: Orphanet 79404, MedGen C0079683, MONDO:0009182, OMIM 226700.
Junctional epidermolysis bullosa, non-Herlitz type. Also called: EPIDERMOLYSIS BULLOSA JUNCTIONALIS, DISENTIS TYPE; EPIDERMOLYSIS BULLOSA JUNCTIONALIS, NON-HERLITZ TYPE; EPIDERMOLYSIS BULLOSA JUNCTIONALIS, PROGRESSIVE; EPIDERMOLYSIS BULLOSA JUNCTIONALIS, SEVERE NONLETHAL; Adult junctional epidermolysis bullosa; EPIDERMOLYSIS BULLOSA, JUNCTIONAL 1A, INTERMEDIATE. Identifiers: Orphanet 251393, Orphanet 79402, Orphanet 79405, Orphanet 89840, MedGen C0268374, MONDO:0009180, OMIM 226650.

Allele frequency attached by ClinVar (database versions not stated): gnomAD exomes 0.00001 and below 0.00001; ExAC 0.00002.
gnomAD v4.1: 14 of 1,613,952 alleles (0.00087%); highest among the groups gnomAD compares: East Asian, 0.0022%; no homozygotes.

Submissions (6):

Women's Health and Genetics/Laboratory Corporation of America, LabCorp
Classification: Pathogenic for Junctional epidermolysis bullosa. Last evaluated: 2026-03-16. Review status: criteria provided, single submitter. Criteria: LabCorp Variant Classification Summary - May 2015. Collection method: clinical testing. Allele origin: germline.
Comment: Variant summary: LAMC2 c.3385C>T (p.Arg1129*) results in a premature termination codon, predicted to cause a truncation of the encoded protein or absence of the protein. Variants downstream of this position have been classified as pathogenic in ClinVar. The variant allele was found at a frequency of 4e-06 in 251140 control chromosomes. c.3385C>T has been reported in the literature in individuals affected with epidermolysis bullosa (e.g., Chen_2023, Pongmee_2022). These data indicate that the variant is likely associated with disease. To our knowledge, no experimental evidence demonstrating an impact on protein function has been reported. The following publications have been ascertained in the context of this evaluation (PMID: 36287101, 35432467).ClinVar contains an entry for this variant (Variation ID: 370953). Based on the evidence outlined above, the variant was classified as pathogenic.

Genomic Medicine Center of Excellence, King Faisal Specialist Hospital and Research Centre
Classification: Pathogenic for Epidermolysis bullosa, junctional 3B, severe. Last evaluated: 2024-12-19. Review status: criteria provided, single submitter. Criteria: ACMG Guidelines, 2015. Collection method: clinical testing. Allele origin: germline.

Labcorp Genetics (formerly Invitae), Labcorp
Classification: Pathogenic. Last evaluated: 2024-01-29. Review status: criteria provided, single submitter. Criteria: Invitae Variant Classification Sherloc (09022015). Collection method: clinical testing. Allele origin: germline.
Comment: This sequence change creates a premature translational stop signal (p.Arg1129*) in the LAMC2 gene. While this is not anticipated to result in nonsense mediated decay, it is expected to disrupt the last 65 amino acid(s) of the LAMC2 protein. The frequency data for this variant in the population databases is considered unreliable, as metrics indicate poor data quality at this position in the gnomAD database. This variant has not been reported in the literature in individuals affected with LAMC2-related conditions. ClinVar contains an entry for this variant (Variation ID: 370953). This variant disrupts a region of the LAMC2 protein in which other variant(s) (p.Thr1132Asnfs*38) have been determined to be pathogenic (PMID: 11564184). This suggests that this is a clinically significant region of the protein, and that variants that disrupt it are likely to be disease-causing. For these reasons, this variant has been classified as Pathogenic.

Pediatrics, Sichuan Provincial Hospital For Women And Children
Classification: Pathogenic for Epidermolysis bullosa, junctional 3A, intermediate. Last evaluated: 2022-04-08. Review status: criteria provided, single submitter. Criteria: ACMG Guidelines, 2015. Collection method: clinical testing. Allele origin: maternal. Inheritance: Autosomal recessive inheritance. Affected: yes. Observed: 1 variant allele, 1 compound heterozygote.
Comment: The c.3385C>T variant in LAMC2 has been reported in one Chinese family with junctional epidermolysis bullosa (intermediate) (Chen, 2025). In vitro functional studies showed that c.3385C>T is located in the last exon (exon 23). qPCR results revealed decreased mRNA levels, and cells expressing this mutation exhibited significantly lower adhesion efficiency compared to wild-type (approximately 60–70%), confirming impaired function of the truncated protein. In summary, the c.3385C>T variant meets our criteria for pathogenicity based on segregation analysis and functional evidence. ACMG:PM2+PVS1_Moderate+PP4+PS3_Supporting

Department of Pediatrics, Division of Medical Genetics, Faculty of Medicine Ramathibodi Hospital, Mahidol University
Classification: Pathogenic for Junctional epidermolysis bullosa, non-Herlitz type. Last evaluated: 2020-12-08. Review status: no assertion criteria provided. Collection method: research. Allele origin: germline. Inheritance: Autosomal recessive inheritance. Affected: yes. Not counted in ClinVar's aggregate classification.

Counsyl
Classification: Likely pathogenic for Junctional epidermolysis bullosa gravis of Herlitz. Last evaluated: 2016-05-24. Review status: no assertion criteria provided. Collection method: clinical testing. Allele origin: unknown. Not counted in ClinVar's aggregate classification.

Literature cited by the submitters: PubMed 36287101 (cited by Women's Health and Genetics/Laboratory Corporation of America, LabCorp); PubMed 35432467 (cited by Women's Health and Genetics/Laboratory Corporation of America, LabCorp); PubMed 11564184 (cited by Labcorp Genetics (formerly Invitae), Labcorp and Counsyl); PubMed 11802722 (cited by Pediatrics, Sichuan Provincial Hospital For Women And Children).